The following is an entry in ClinVar:

ClinVar aggregate classification (germline): Uncertain significance (1 of 4 stars; one submission).

gnomAD v4.1: 1 of 1,614,148 alleles (0.000062%); highest among the groups gnomAD compares: South Asian, 0.0011%; no homozygotes.

Submission:

Mayo Clinic Laboratories, Mayo Clinic
Classification: Uncertain significance. Last evaluated: 2023-11-15. Review status: criteria provided, single submitter. Criteria: ACMG Guidelines, 2015. Collection method: clinical testing. Allele origin: germline. Observed: 1 variant allele.
Comment: PM2_moderate

NM_177924.5(ASAH1):c.902C>T (p.Ser301Leu)

Gene: ASAH1 (N-acylsphingosine amidohydrolase 1; minus strand). Cytogenetic location: 8p22.
Variant type: single nucleotide variant.
Coding change: c.902C>T on transcript NM_177924.5 (MANE Select); coding-DNA position 902, C replaced by T.
Protein change: p.Ser301Leu; replaces serine 301 with leucine.
Molecular consequence: missense variant.
Genome position (GRCh38, 1-based): chr8:18,059,587, G>A on the plus strand (C>T on the coding strand, the complement: ASAH1 is on the minus strand). VCF-style: chr8-18059587-G-A. GRCh37 (hg19) VCF-style: chr8-17917096-G-A.
Other names: p.Ser301Leu; c.884C>T, p.Ser295Leu (NM_001127505.3); c.707C>T, p.Ser236Leu (NM_001363743.2); c.950C>T, p.Ser317Leu (NM_004315.6); short protein forms S236L, S295L, S301L, S317L.
Identifiers: ClinVar variation 3379802 (VCV003379802.1).
Genomic context (GRCh38, chr8:18,059,587, plus strand): 5'-GTATGCTTTTGTTTCTACTTCTTTTGCTTTAACAAACCTACTTACTCATATACATCCAAT[G>A]ATTCCTTTCTGTCTCGTGTAATCACACAACCTTCCCCAGACTGGTTGCCTCCCAGGATAA-3'
Protein context (NP_808592.2, residues 291-311): GCVITRDRKE[Ser301Leu]LDVYELDAKQ